The following is an entry in ClinVar:

ClinVar aggregate classification (germline): Uncertain significance (1 of 4 stars; one submission).

Submission:

GeneDx
Classification: Uncertain significance. Last evaluated: 2022-07-27. Review status: criteria provided, single submitter. Criteria: GeneDx Variant Classification Process June 2021. Collection method: clinical testing. Allele origin: germline. Affected: yes.
Comment: Not observed at significant frequency in large population cohorts (gnomAD); In silico analysis supports that this missense variant has a deleterious effect on protein structure/function; Has not been previously published as pathogenic or benign to our knowledge

NM_006593.4(TBR1):c.1864A>C (p.Lys622Gln)

Gene: TBR1 (T-box brain transcription factor 1; plus strand). Cytogenetic location: 2q24.2.
Variant type: single nucleotide variant.
Coding change: c.1864A>C on transcript NM_006593.4 (MANE Select); coding-DNA position 1864, A replaced by C.
Protein change: p.Lys622Gln; replaces lysine 622 with glutamine.
Molecular consequence: missense variant.
Genome position (GRCh38, 1-based): chr2:161,424,042, A>C. VCF-style: chr2-161424042-A-C. GRCh37 (hg19) VCF-style: chr2-162280553-A-C.
Other names: short protein forms K622Q.
Identifiers: ClinVar variation 2412849 (VCV002412849.3), dbSNP rs1553511312, ClinGen allele CA349214630.